The following is an entry in ClinVar:

ClinVar aggregate classification (germline): Pathogenic (1 of 4 stars; one submission).

Conditions:
Thrombophilia due to protein S deficiency, autosomal recessive (THPH6). Identifiers: Orphanet 743, MedGen C3281092, MONDO:0013791, OMIM 614514. Disease mechanism: loss of function.

Submission:

Labcorp Genetics (formerly Invitae), Labcorp
Classification: Pathogenic for Thrombophilia due to protein S deficiency, autosomal recessive. Last evaluated: 2024-08-20. Review status: criteria provided, single submitter. Criteria: Invitae Variant Classification Sherloc (09022015). Collection method: clinical testing. Allele origin: germline.
Comment: This variant, c.200_202del, results in the deletion of 1 amino acid(s) of the PROS1 protein (p.Glu67del), but otherwise preserves the integrity of the reading frame. This variant is not present in population databases (gnomAD no frequency). This variant has been observed in individual(s) with protein S deficiency (PMID: 26466767). ClinVar contains an entry for this variant (Variation ID: 840004). This variant disrupts a region of the PROS1 protein in which other variant(s) (p.Glu67Ala) have been determined to be pathogenic (PMID: 7803790, 15712227, 17157360, 27748013, 30669159). This suggests that this is a clinically significant region of the protein, and that variants that disrupt it are likely to be disease-causing. For these reasons, this variant has been classified as Pathogenic.

Literature cited by the submitters: PubMed 26466767; PubMed 7803790; PubMed 15712227; PubMed 17157360; PubMed 27748013; PubMed 30669159.

NM_000313.4(PROS1):c.194AAG[2] (p.Glu67del)

Gene: PROS1 (protein S; minus strand). Cytogenetic location: 3q11.1.
Variant type: Microsatellite.
Coding change: c.194AAG[2] on transcript NM_000313.4 (MANE Select); two copies in a row of the 3-base unit AAG starting at c.194; the reference has three copies in a row; one copy, 3 bases deleted.
Protein change: p.Glu67del; deletes glutamic acid 67.
Molecular consequence: inframe deletion.
Genome position (GRCh38, 1-based): chr3:93,927,282-93,927,284, CTT deleted on the plus strand (AAG on the coding strand, the reverse complement: PROS1 is on the minus strand); deleting any 3 consecutive bases within chr3:93,927,282-93,927,290 gives the same sequence; the position shown is the placement nearest the transcript's 3' end. VCF-style (leftmost placement, unchanged base first): chr3-93927281-GCTT-G. GRCh37 (hg19) VCF-style: chr3-93646125-GCTT-G.
Other names: c.290AAG[2], p.Glu99del (NM_001314077.2); short protein forms E67del, E99del.
Identifiers: ClinVar variation 840004 (VCV000840004.6), dbSNP rs1709033502, ClinGen allele CA645533925.